The following is an entry in ClinVar:

NM_000444.6(PHEX):c.349+2dup

Gene: PHEX (phosphate regulating endopeptidase X-linked; plus strand). Cytogenetic location: Xp22.11.
Variant type: Duplication.
Coding change: c.349+2dup on transcript NM_000444.6 (MANE Select); the canonical splice donor site of the intron after coding-DNA position 349, one base duplicated (T; older notation c.349+2dupT).
Molecular consequence: splice donor variant.
Genome position (GRCh38, 1-based): chrX:22,047,213, T duplicated. VCF-style (leftmost placement, unchanged base first): chrX-22047212-G-GT. GRCh37 (hg19) VCF-style: chrX-22065330-G-GT.
Other names: c.349+2dup (NM_001282754.2).
Identifiers: ClinVar variation 999768 (VCV000999768.8), dbSNP rs1927584800, ClinGen allele CA2419152399.

ClinVar aggregate classification (germline): Uncertain significance (1 of 4 stars; one submission).

Submission:

Labcorp Genetics (formerly Invitae), Labcorp
Classification: Uncertain significance. Last evaluated: 2020-08-25. Review status: criteria provided, single submitter. Criteria: Invitae Variant Classification Sherloc (09022015). Collection method: clinical testing. Allele origin: germline.
Comment: In summary, the available evidence is currently insufficient to determine the role of this variant in disease. Therefore, it has been classified as a Variant of Uncertain Significance. Nucleotide substitutions within the consensus splice site are a relatively common cause of aberrant splicing (PMID: 17576681, 9536098). Algorithms developed to predict the effect of sequence changes on RNA splicing suggest that this variant may disrupt the consensus splice site, but this prediction has not been confirmed by published transcriptional studies. This variant has not been reported in the literature in individuals with PHEX-related conditions. This variant is not present in population databases (ExAC no frequency). This sequence change falls in intron 3 of the PHEX gene. It does not directly change the encoded amino acid sequence of the PHEX protein, but it affects a nucleotide within the consensus splice site of the intron.

Literature cited by the submitters: PubMed 17576681; PubMed 9536098.